The following is an entry in ClinVar:

NM_025137.4(SPG11):c.7162C>A (p.His2388Asn)

Gene: SPG11 (SPG11 vesicle trafficking associated, spatacsin; minus strand). Cytogenetic location: 15q21.1.
Variant type: single nucleotide variant.
Coding change: c.7162C>A on transcript NM_025137.4 (MANE Select); coding-DNA position 7162, C replaced by A.
Protein change: p.His2388Asn; replaces histidine 2388 with asparagine.
Molecular consequence: missense variant.
Genome position (GRCh38, 1-based): chr15:44,563,291, G>T on the plus strand (C>A on the coding strand, the complement: SPG11 is on the minus strand). VCF-style: chr15-44563291-G-T. GRCh37 (hg19) VCF-style: chr15-44855489-G-T.
Other names: c.6823C>A, p.His2275Asn (NM_001160227.2); short protein forms H2275N, H2388N.
Identifiers: ClinVar variation 1503022 (VCV001503022.3), dbSNP rs1567123486, ClinGen allele CA392211867.

ClinVar aggregate classification (germline): Uncertain significance (1 of 4 stars; one submission).

Conditions:
Hereditary spastic paraplegia 11. Also called: SPASTIC PARAPLEGIA, AUTOSOMAL RECESSIVE, COMPLICATED, WITH THIN CORPUS CALLOSUM; SPASTIC PARAPLEGIA, AUTOSOMAL RECESSIVE, WITH MENTAL IMPAIRMENT AND THIN CORPUS CALLOSUM; Spastic paraplegia, mental retardation and thin corpus callosum; Nakamura Osame syndrome; Autosomal recessive hereditary spastic paraplegia, mental impairment, and thin corpus callosum; Spastic Paraplegia 11. Identifiers: Orphanet 2822, MedGen C1858479, MONDO:0011445, OMIM 604360.

Allele frequency attached by ClinVar (database versions not stated): gnomAD exomes below 0.00001.
gnomAD v4.1: 2 of 1,612,582 alleles (0.00012%); highest among the groups gnomAD compares: Non-Finnish European, 0.000085%; no homozygotes.

Submission:

Labcorp Genetics (formerly Invitae), Labcorp
Classification: Uncertain significance for Hereditary spastic paraplegia 11. Last evaluated: 2021-09-30. Review status: criteria provided, single submitter. Criteria: Invitae Variant Classification Sherloc (09022015). Collection method: clinical testing. Allele origin: germline.
Comment: This sequence change replaces histidine with asparagine at codon 2388 of the SPG11 protein (p.His2388Asn). The histidine residue is highly conserved and there is a small physicochemical difference between histidine and asparagine. This variant is not present in population databases (ExAC no frequency). This variant has not been reported in the literature in individuals affected with SPG11-related conditions. Algorithms developed to predict the effect of missense changes on protein structure and function are either unavailable or do not agree on the potential impact of this missense change (SIFT: "Tolerated"; PolyPhen-2: "Possibly Damaging"; Align-GVGD: "Class C0"). In summary, the available evidence is currently insufficient to determine the role of this variant in disease. Therefore, it has been classified as a Variant of Uncertain Significance.